The following is an entry in ClinVar:

NM_020778.5(ALPK3):c.1982T>A (p.Met661Lys)

Gene: ALPK3 (alpha kinase 3; plus strand). Cytogenetic location: 15q25.3.
Variant type: single nucleotide variant.
Coding change: c.1982T>A on transcript NM_020778.5 (MANE Select); coding-DNA position 1982, T replaced by A.
Protein change: p.Met661Lys; replaces methionine 661 with lysine.
Molecular consequence: missense variant.
Genome position (GRCh38, 1-based): chr15:84,856,720, T>A. VCF-style: chr15-84856720-T-A. GRCh37 (hg19) VCF-style: chr15-85399951-T-A.
Other names: short protein forms M661K.
Identifiers: ClinVar variation 1254300 (VCV001254300.20), dbSNP rs150227073, ClinGen allele CA7709328.

ClinVar aggregate classification (germline): Conflicting classifications of pathogenicity. Review status: criteria provided, conflicting classifications (1 of 4 stars). 7 submissions from 7 submitters: Uncertain significance (5); Likely benign (2). Last evaluated 2026-09-25.

Conditions:
Cardiomyopathy, familial hypertrophic 27. Identifiers: MedGen C4748014, MONDO:0054838, OMIM 618052.
ALPK3-related disorder. Also called: ALPK3-related condition.
Cardiovascular phenotype. Identifiers: MedGen CN230736.

Allele frequency attached by ClinVar (database versions not stated): gnomAD exomes 0.00004 and 0.00008; ExAC 0.00012; gnomAD 0.00041 and 0.00046; ESP Exome Variant Server 0.00054; TOPMed 0.00056.
gnomAD v4.1: 126 of 1,613,504 alleles (0.0078%); highest among the groups gnomAD compares: African/African-American, 0.16%; 1 homozygote.

Submissions (7):

PreventionGenetics, part of Exact Sciences
Classification: Uncertain significance for ALPK3-related condition. Last evaluated: 2026-09-25. Review status: criteria provided, single submitter. Criteria: ACMG Guidelines, 2015. Collection method: clinical testing. Allele origin: germline.
Comment: The ALPK3 c.2588T>A variant is predicted to result in the amino acid substitution p.Met863Lys. This variant has been reported as a variant of uncertain significance in an individual with dilated cardiomyopathy (online supplementary file 2, van Lint et al. 2019. PubMed ID: 30847666). This variant is reported in 0.12% of alleles in individuals of African descent in gnomAD. Although we suspect that this variant may be benign, at this time, the clinical significance of this variant is uncertain due to the absence of conclusive functional and genetic evidence.

Labcorp Genetics (formerly Invitae), Labcorp
Classification: Uncertain significance. Last evaluated: 2026-01-06. Review status: criteria provided, single submitter. Criteria: Invitae Variant Classification Sherloc (09022015). Collection method: clinical testing. Allele origin: germline.
Comment: This sequence change replaces methionine, which is neutral and non-polar, with lysine, which is basic and polar, at codon 863 of the ALPK3 protein (p.Met863Lys). This variant is present in population databases (rs150227073, gnomAD 0.1%). This variant has not been reported in the literature in individuals affected with ALPK3-related conditions. ClinVar contains an entry for this variant (Variation ID: 1254300). Invitae Evidence Modeling of protein sequence and biophysical properties (such as structural, functional, and spatial information, amino acid conservation, physicochemical variation, residue mobility, and thermodynamic stability) indicates that this missense variant is not expected to disrupt ALPK3 protein function with a negative predictive value of 80%. In summary, the available evidence is currently insufficient to determine the role of this variant in disease. Therefore, it has been classified as a Variant of Uncertain Significance.

Molecular Diagnostic Laboratory for Inherited Cardiovascular Disease, Montreal Heart Institute
Classification: Likely benign. Last evaluated: 2025-04-09. Review status: criteria provided, single submitter. Criteria: ACMG Guidelines, 2015. Collection method: clinical testing. Allele origin: germline. Affected: no.
Comment: BS1, BP1, BP4

Blueprint Genetics
Classification: Uncertain significance. Last evaluated: 2024-11-26. Review status: criteria provided, single submitter. Criteria: ACMG Guidelines, 2015. Collection method: clinical testing. Allele origin: germline.

Ambry Genetics
Classification: Likely benign for Cardiovascular phenotype. Last evaluated: 2024-09-17. Review status: criteria provided, single submitter. Criteria: Ambry Variant Classification Scheme 2023. Collection method: clinical testing. Allele origin: germline.

GeneDx
Classification: Uncertain significance. Last evaluated: 2024-02-09. Review status: criteria provided, single submitter. Criteria: GeneDx Variant Classification Process June 2021. Collection method: clinical testing. Allele origin: germline. Affected: yes.
Comment: Identified in a patient with DCM in published literature (PMID: 30847666); this patient harbored an additional cardiogenetic variant; In silico analysis supports that this missense variant does not alter protein structure/function; Also known as c.2588T>A p.(Met863Lys); This variant is associated with the following publications: (PMID: 30847666)

Revvity Omics, Revvity
Classification: Uncertain significance for Cardiomyopathy, familial hypertrophic 27. Last evaluated: 2019-11-22. Review status: criteria provided, single submitter. Criteria: ACMG Guidelines, 2015. Collection method: clinical testing. Allele origin: germline.

Literature cited by the submitters: PubMed 30847666 (cited by Ambry Genetics).